The following is an entry in ClinVar:

NM_013450.4(BAZ2B):c.3100A>G (p.Lys1034Glu)

Gene: BAZ2B (bromodomain adjacent to zinc finger domain 2B; minus strand). Cytogenetic location: 2q24.2.
Variant type: single nucleotide variant.
Coding change: c.3100A>G on transcript NM_013450.4 (MANE Select); coding-DNA position 3100, A replaced by G.
Protein change: p.Lys1034Glu; replaces lysine 1034 with glutamic acid.
Molecular consequence: missense variant.
Genome position (GRCh38, 1-based): chr2:159,389,461, T>C on the plus strand (A>G on the coding strand, the complement: BAZ2B is on the minus strand). VCF-style: chr2-159389461-T-C. GRCh37 (hg19) VCF-style: chr2-160245972-T-C.
Other names: c.2992A>G, p.Lys998Glu (NM_001289975.1); c.2938A>G, p.Lys980Glu (NM_001329857.2); c.3025A>G, p.Lys1009Glu (NM_001329858.2); short protein forms K1009E, K1034E, K980E, K998E.
Identifiers: ClinVar variation 2651458 (VCV002651458.24), dbSNP rs2546120987, ClinGen allele CA348934736.

ClinVar aggregate classification (germline): Uncertain significance (1 of 4 stars; one submission).

Submission:

CeGaT Center for Human Genetics Tuebingen
Classification: Uncertain significance. Last evaluated: 2022-07-01. Review status: criteria provided, single submitter. Criteria: CeGaT Center For Human Genetics Tuebingen Variant Classification Criteria Version 2. Collection method: clinical testing. Allele origin: germline. Affected: yes. Observed: 1 variant allele.
Comment: BAZ2B: PM2